The following is an entry in ClinVar:

ClinVar aggregate classification (germline): Pathogenic/Likely pathogenic. Review status: criteria provided, multiple submitters, no conflicts (2 of 4 stars). 2 submissions from 2 submitters: Pathogenic (1); Likely pathogenic (1). Last evaluated 2019-06-21.

Conditions:
Muscular dystrophy-dystroglycanopathy (congenital with brain and eye anomalies), type A, 7. Also called: WALKER-WARBURG SYNDROME OR MUSCLE-EYE-BRAIN DISEASE, ISPD-RELATED; Congenital muscular dystrophy-dystroglycanopathy with brain and eye anomalies, type A7. Identifiers: Orphanet 899, MedGen C3553330, MONDO:0013835, OMIM 614643.
Autosomal recessive limb-girdle muscular dystrophy type 2U. Also called: MUSCULAR DYSTROPHY, LIMB-GIRDLE, TYPE 2U; Muscular dystrophy-dystroglycanopathy (limb-girdle), type c, 7. Identifiers: Orphanet 352479, MedGen C5190987, MONDO:0014474, OMIM 616052.

Allele frequency attached by ClinVar (database versions not stated): ExAC 0.00001; gnomAD exomes 0.00001.
gnomAD v4.1: 7 of 1,611,396 alleles (0.00043%); highest among the groups gnomAD compares: East Asian, 0.016%; no homozygotes.

Submissions (2):

Labcorp Genetics (formerly Invitae), Labcorp
Classification: Likely pathogenic for Muscular dystrophy-dystroglycanopathy (congenital with brain and eye anomalies), type A, 7; Autosomal recessive limb-girdle muscular dystrophy type 2U. Last evaluated: 2019-06-21. Review status: criteria provided, single submitter. Criteria: Invitae Variant Classification Sherloc (09022015). Collection method: clinical testing. Allele origin: germline.
Comment: This sequence change affects an acceptor splice site in intron 1 of the ISPD gene. It is expected to disrupt RNA splicing and likely results in an absent or disrupted protein product. This variant is present in population databases (rs767978961, ExAC 0.01%). Disruption of this splice site has been observed in the absence of a second variant in an individual with congenital myopathy and in combination with another ISPD variant in an individual affected with Walker-Warburg syndrome (PMID: 27363342, 28688748). ClinVar contains an entry for this variant (Variation ID: 287941). Algorithms developed to predict the effect of sequence changes on RNA splicing suggest that this variant may disrupt the consensus splice site, but this prediction has not been confirmed by published transcriptional studies. Donor and acceptor splice site variants typically lead to a loss of protein function (PMID: 16199547), and loss-of-function variants in ISPD are known to be pathogenic (PMID: 23288328). In summary, the currently available evidence indicates that the variant is pathogenic, but additional data are needed to prove that conclusively. Therefore, this variant has been classified as Likely Pathogenic.

Eurofins Ntd Llc (ga)
Classification: Pathogenic. Last evaluated: 2016-05-24. Review status: criteria provided, single submitter. Criteria: EGL Classification Definitions 2015. Collection method: clinical testing. Allele origin: germline. Observed: 1 variant allele, 1 heterozygote.

Literature cited by the submitters: PubMed 27363342 (cited by Labcorp Genetics (formerly Invitae), Labcorp); PubMed 28688748 (cited by Labcorp Genetics (formerly Invitae), Labcorp); PubMed 16199547 (cited by Labcorp Genetics (formerly Invitae), Labcorp); PubMed 23288328 (cited by Labcorp Genetics (formerly Invitae), Labcorp).

NM_001101426.4(CRPPA):c.258-1G>C

Gene: CRPPA (CDP-L-ribitol pyrophosphorylase A; minus strand). Cytogenetic location: 7p21.2.
Variant type: single nucleotide variant.
Coding change: c.258-1G>C on transcript NM_001101426.4 (MANE Select); the canonical splice acceptor site of the intron before coding-DNA position 258, G replaced by C.
Molecular consequence: splice acceptor variant.
Genome position (GRCh38, 1-based): chr7:16,406,338, C>G on the plus strand (G>C on the coding strand, the complement: CRPPA is on the minus strand). VCF-style: chr7-16406338-C-G. GRCh37 (hg19) VCF-style: chr7-16445963-C-G.
Other names: c.258-1G>C (NM_001101417.4, NM_001368197.1).
Identifiers: ClinVar variation 287941 (VCV000287941.13), dbSNP rs767978961, ClinGen allele CA4169641.